The following is an entry in ClinVar:

ClinVar aggregate classification (germline): Conflicting classifications of pathogenicity. Review status: criteria provided, conflicting classifications (1 of 4 stars). 5 submissions from 5 submitters: Uncertain significance (4); Likely benign (1). Last evaluated 2026-07-19.

Conditions:
POLR3B-related disorder. Also called: POLR3B-related condition; POLR3B-related disorders. Identifiers: MedGen CN378588, MONDO:0700277.
Inborn genetic diseases. Identifiers: MedGen C0950123, MeSH D030342.

Allele frequency attached by ClinVar (database versions not stated): gnomAD exomes 0.00004; ExAC 0.00005; ESP Exome Variant Server 0.00031; gnomAD 0.00038; 1000 Genomes Project 30x 0.00047; TOPMed 0.00055; 1000 Genomes Project 0.00060.
gnomAD v4.1: 122 of 1,595,294 alleles (0.0076%); highest among the groups gnomAD compares: African/African-American, 0.14%; no homozygotes.

Submissions (5):

PreventionGenetics, part of Exact Sciences
Classification: Likely benign for POLR3B-related condition. Last evaluated: 2026-07-19. Review status: criteria provided, single submitter. Criteria: ACMG Guidelines, 2015. Collection method: clinical testing. Allele origin: germline.
Comment: This variant is classified as likely benign based on ACMG/AMP sequence variant interpretation guidelines (Richards et al. 2015 PMID: 25741868, with internal and published modifications).

Revvity Omics, Revvity
Classification: Uncertain significance. Last evaluated: 2025-07-09. Review status: criteria provided, single submitter. Criteria: ACMG Guidelines, 2015. Collection method: clinical testing. Allele origin: germline.

Labcorp Genetics (formerly Invitae), Labcorp
Classification: Uncertain significance. Last evaluated: 2025-05-12. Review status: criteria provided, single submitter. Criteria: Invitae Variant Classification Sherloc (09022015). Collection method: clinical testing. Allele origin: germline.
Comment: This sequence change falls in intron 17 of the POLR3B gene. It does not directly change the encoded amino acid sequence of the POLR3B protein. It affects a nucleotide within the consensus splice site. This variant is present in population databases (rs184732347, gnomAD 0.09%). This variant has not been reported in the literature in individuals affected with POLR3B-related conditions. ClinVar contains an entry for this variant (Variation ID: 2062912). Variants that disrupt the consensus splice site are a relatively common cause of aberrant splicing (PMID: 17576681, 9536098). Algorithms developed to predict the effect of sequence changes on RNA splicing suggest that this variant is not likely to affect RNA splicing. In summary, the available evidence is currently insufficient to determine the role of this variant in disease. Therefore, it has been classified as a Variant of Uncertain Significance.

GeneDx
Classification: Uncertain significance. Last evaluated: 2024-10-08. Review status: criteria provided, single submitter. Criteria: GeneDx Variant Classification Process June 2021. Collection method: clinical testing. Allele origin: germline. Affected: yes.
Comment: In silico analysis indicates that this variant does not alter splicing; Has not been previously published as pathogenic or benign to our knowledge

Ambry Genetics
Classification: Uncertain significance for Inborn genetic diseases. Last evaluated: 2022-01-21. Review status: criteria provided, single submitter. Criteria: Ambry Variant Classification Scheme 2023. Collection method: clinical testing. Allele origin: germline.
Comment: The c.1856+3A>C intronic alteration consists of a A to C substitution nucleotides after coding exon 17 in the POLR3B gene. Based on insufficient or conflicting evidence, the clinical significance of this alteration remains unclear.

Literature cited by the submitters: PubMed 17576681 (cited by Labcorp Genetics (formerly Invitae), Labcorp); PubMed 9536098 (cited by Labcorp Genetics (formerly Invitae), Labcorp).

NM_018082.6(POLR3B):c.1856+3A>C

Gene: POLR3B (RNA polymerase III subunit B; plus strand). Cytogenetic location: 12q23.3.
Variant type: single nucleotide variant.
Coding change: c.1856+3A>C on transcript NM_018082.6 (MANE Select); 3 bases into the intron after coding-DNA position 1856, A replaced by C.
Molecular consequence: intron variant.
Genome position (GRCh38, 1-based): chr12:106,437,134, A>C. VCF-style: chr12-106437134-A-C. GRCh37 (hg19) VCF-style: chr12-106830912-A-C.
Other names: c.1682+3A>C (NM_001160708.2).
Identifiers: ClinVar variation 2062912 (VCV002062912.10), dbSNP rs184732347, ClinGen allele CA6762034.